The following is an entry in ClinVar:

NM_080680.3(COL11A2):c.1616G>A (p.Arg539Gln)

Gene: COL11A2 (collagen type XI alpha 2 chain; minus strand). Cytogenetic location: 6p21.32.
Variant type: single nucleotide variant.
Coding change: c.1616G>A on transcript NM_080680.3 (MANE Select); coding-DNA position 1616, G replaced by A.
Protein change: p.Arg539Gln; replaces arginine 539 with glutamine.
Molecular consequence: missense variant.
Genome position (GRCh38, 1-based): chr6:33,178,969, C>T on the plus strand (G>A on the coding strand, the complement: COL11A2 is on the minus strand). VCF-style: chr6-33178969-C-T. GRCh37 (hg19) VCF-style: chr6-33146746-C-T.
Other names: c.1436G>A, p.Arg479Gln (NM_001424108.1); c.770G>A, p.Arg257Gln (NM_001424109.1); c.590G>A, p.Arg197Gln (NM_001424110.1, NM_001424111.1); c.1295G>A, p.Arg432Gln (NM_080679.3); c.1358G>A, p.Arg453Gln (NM_080681.3); c.1616G>A (NM_080680.2); short protein forms R257Q, R453Q, R479Q, R197Q, R432Q, R539Q.
Identifiers: ClinVar variation 2709959 (VCV002709959.5), dbSNP rs771011407, ClinGen allele CA3751280.
Genomic context (GRCh38, chr6:33,178,969, plus strand): 5'-AAGCCTGTTACCTTCACTCCAGGATCTCCAGGCATCCCTCGGGCTCCATCAGCACCTGCC[C>T]GGCCCTGGGAGAACAAGGGAAGTGTCAGAACAAGCAGGGCCGCAGTCCCCTACCCTGCAG-3'
Protein context (NP_542411.2, residues 529-549): GPPGKAGRRG[Arg539Gln]AGADGARGMP

ClinVar aggregate classification (germline): Conflicting classifications of pathogenicity. Review status: criteria provided, conflicting classifications (1 of 4 stars). 3 submissions from 3 submitters: Uncertain significance (2); Likely benign (1). Last evaluated 2026-06-24.

Conditions:
Inborn genetic diseases. Identifiers: MedGen C0950123, MeSH D030342.
COL11A2-related disorder. Also called: COL11A2-related condition; COL11A2-related disorders.

Allele frequency attached by ClinVar (database versions not stated): gnomAD 0.00001; TOPMed 0.00001.
gnomAD v4.1: 22 of 1,613,852 alleles (0.0014%); highest among the groups gnomAD compares: Middle Eastern, 0.016%; no homozygotes.

Submissions (3):

Ambry Genetics
Classification: Uncertain significance for Inborn genetic diseases. Last evaluated: 2026-06-24. Review status: criteria provided, single submitter. Criteria: Ambry Variant Classification Scheme 2023. Collection method: clinical testing. Allele origin: germline.
Comment: The c.1616G>A (p.R539Q) alteration is located in exon 17 (coding exon 17) of the COL11A2 gene. This alteration results from a G to A substitution at nucleotide position 1616, causing the arginine (R) at amino acid position 539 to be replaced by a glutamine (Q). Based on data from gnomAD, the A allele has an overall frequency of 0.003% (8/281724) total alleles studied. The highest observed frequency was 0.013% (4/30594) of South Asian alleles. Based on insufficient or conflicting evidence, the clinical significance of this alteration remains unclear.

PreventionGenetics, part of Exact Sciences
Classification: Uncertain significance for COL11A2-related condition. Last evaluated: 2025-01-15. Review status: criteria provided, single submitter. Criteria: ACMG Guidelines, 2015. Collection method: clinical testing. Allele origin: germline.
Comment: The COL11A2 c.1616G>A variant is predicted to result in the amino acid substitution p.Arg539Gln. To our knowledge, this variant has not been reported in the literature. This variant is reported in 0.013% of alleles in individuals of South Asian descent in gnomAD. At this time, the clinical significance of this variant is uncertain due to the absence of conclusive functional and genetic evidence.

Labcorp Genetics (formerly Invitae), Labcorp
Classification: Likely benign. Last evaluated: 2024-05-09. Review status: criteria provided, single submitter. Criteria: Invitae Variant Classification Sherloc (09022015). Collection method: clinical testing. Allele origin: germline.